The following is an entry in ClinVar:

ClinVar aggregate classification (germline): Likely pathogenic (1 of 4 stars; one submission).

Conditions:
Duchenne muscular dystrophy (DMD). Also called: Duchenne Muscular Dystrophy (DMD); MUSCULAR DYSTROPHY, PSEUDOHYPERTROPHIC PROGRESSIVE, DUCHENNE TYPE. Identifiers: Orphanet 98896, MedGen C0013264, MONDO:0010679, OMIM 310200.

Submission:

Labcorp Genetics (formerly Invitae), Labcorp
Classification: Likely pathogenic for Duchenne muscular dystrophy. Last evaluated: 2019-10-16. Review status: criteria provided, single submitter. Criteria: Invitae Variant Classification Sherloc (09022015). Collection method: clinical testing. Allele origin: germline.
Comment: In summary, the currently available evidence indicates that the variant is pathogenic, but additional data are needed to prove that conclusively. Therefore, this variant has been classified as Likely Pathogenic. Loss-of-function variants in DMD are known to be pathogenic (PMID: 16770791, 25007885). This variant has not been reported in the literature in individuals with DMD-related conditions. This variant results in a copy number gain of the genomic region encompassing exons 65-67 of the DMD gene. While the exact position of this variant cannot be determined from this data, sub-genic copy number gains are generally in tandem (PMID: 25640679) and may result in an absent or disrupted protein product.

Literature cited by the submitters: PubMed 16770791; PubMed 25007885; PubMed 25640679.

NC_000023.11:g.(?_31203951)_(31210914_?)dup

Gene: DMD (dystrophin; minus strand). Cytogenetic location: Xp21.2.
Variant type: Duplication.
Identifiers: ClinVar variation 831690 (VCV000831690.3).